The following is an entry in ClinVar:

NM_183065.4(TMEM107):c.*763C>T

Gene: TMEM107 (transmembrane protein 107; minus strand). Cytogenetic location: 17p13.1.
Variant type: single nucleotide variant.
Coding change: c.*763C>T on transcript NM_183065.4 (MANE Select); 763 bases downstream of the stop codon, C replaced by T.
Molecular consequence: 3 prime UTR variant. On other transcripts: non-coding transcript variant (1).
Genome position (GRCh38, 1-based): chr17:8,173,440, G>A on the plus strand (C>T on the coding strand, the complement: TMEM107 is on the minus strand). VCF-style: chr17-8173440-G-A. GRCh37 (hg19) VCF-style: chr17-8076758-G-A.
Other names: c.*763C>T (NM_001351278.2, NM_001351279.2, NM_001351280.2 and 1 more transcripts).
Identifiers: ClinVar variation 3029994 (VCV003029994.2), dbSNP rs377665716, ClinGen allele CA8370531.

ClinVar aggregate classification (germline): Likely benign (0 of 4 stars; one submission).

Conditions:
TMEM107-related disorder. Also called: TMEM107-related condition.

Allele frequency attached by ClinVar (database versions not stated): ESP Exome Variant Server 0.00105; 1000 Genomes Project 30x 0.00281; 1000 Genomes Project 0.00300.
gnomAD v4.1: 407 of 761,194 alleles (0.053%); highest among the groups gnomAD compares: African/African-American, 0.46%; 1 homozygote.

Submission:

PreventionGenetics, part of Exact Sciences
Classification: Likely benign for TMEM107-related condition. Last evaluated: 2022-02-18. Review status: no assertion criteria provided. Collection method: clinical testing. Allele origin: germline.
Comment: This variant is classified as likely benign based on ACMG/AMP sequence variant interpretation guidelines (Richards et al. 2015 PMID: 25741868, with internal and published modifications).